The following is an entry in ClinVar:

NM_020549.5(CHAT):c.1478G>T (p.Gly493Val)

Gene: CHAT (choline O-acetyltransferase; plus strand). Cytogenetic location: 10q11.23.
Variant type: single nucleotide variant.
Coding change: c.1478G>T on transcript NM_020549.5 (MANE Select); coding-DNA position 1478, G replaced by T.
Protein change: p.Gly493Val; replaces glycine 493 with valine.
Molecular consequence: missense variant.
Genome position (GRCh38, 1-based): chr10:49,649,603, G>T. VCF-style: chr10-49649603-G-T. GRCh37 (hg19) VCF-style: chr10-50857649-G-T.
Other names: c.1124G>T, p.Gly375Val (NM_001142929.2, NM_001142934.2, NM_020984.4 and 2 more transcripts); c.1232G>T, p.Gly411Val (NM_001142933.2); short protein forms G375V, G493V, G411V.
Identifiers: ClinVar variation 1040411 (VCV001040411.8), dbSNP rs1180007688, ClinGen allele CA376743917.

ClinVar aggregate classification (germline): Uncertain significance (1 of 4 stars; one submission).

Conditions:
Familial infantile myasthenia (CMS6). Also called: Congenital myasthenic syndrome type 6; MYASTHENIC SYNDROME, CONGENITAL, 6, PRESYNAPTIC; MYASTHENIC SYNDROME, PRESYNAPTIC, CONGENITAL, ASSOCIATED WITH EPISODIC APNEA. Identifiers: Orphanet 590, MedGen C0393929, MONDO:0009689, OMIM 254210.

Allele frequency attached by ClinVar (database versions not stated): TOPMed below 0.00001.

Submission:

Labcorp Genetics (formerly Invitae), Labcorp
Classification: Uncertain significance for Familial infantile myasthenia. Last evaluated: 2020-03-18. Review status: criteria provided, single submitter. Criteria: Invitae Variant Classification Sherloc (09022015). Collection method: clinical testing. Allele origin: germline.
Comment: In summary, the available evidence is currently insufficient to determine the role of this variant in disease. Therefore, it has been classified as a Variant of Uncertain Significance. Algorithms developed to predict the effect of missense changes on protein structure and function are either unavailable or do not agree on the potential impact of this missense change (SIFT: "Tolerated"; PolyPhen-2: "Possibly Damaging"; Align-GVGD: "Class C0"). This variant has not been reported in the literature in individuals with CHAT-related conditions. This variant is not present in population databases (ExAC no frequency). This sequence change replaces glycine with valine at codon 493 of the CHAT protein (p.Gly493Val). The glycine residue is moderately conserved and there is a moderate physicochemical difference between glycine and valine.